The following is an entry in ClinVar:

ClinVar aggregate classification (germline): Uncertain significance. Review status: criteria provided, multiple submitters, no conflicts (2 of 4 stars). 2 submissions from 2 submitters: Uncertain significance (2). Last evaluated 2022-07-28.

Conditions:
Mitochondrial DNA depletion syndrome 13. Also called: FBXL4-Related Encephalomyopathic Mitochondrial DNA Depletion Syndrome; Mitochondrial DNA depletion syndrome 13 (encephalomyopathic type). Identifiers: Orphanet 369897, MedGen C3809592, MONDO:0014198, OMIM 615471.

Allele frequency attached by ClinVar (database versions not stated): TOPMed 0.00002; gnomAD 0.00001; gnomAD exomes 0.00001; ExAC 0.00002.

Submissions (2):

Labcorp Genetics (formerly Invitae), Labcorp
Classification: Uncertain significance. Last evaluated: 2022-07-28. Review status: criteria provided, single submitter. Criteria: Invitae Variant Classification Sherloc (09022015). Collection method: clinical testing. Allele origin: germline.
Comment: In summary, the available evidence is currently insufficient to determine the role of this variant in disease. Therefore, it has been classified as a Variant of Uncertain Significance. This variant has not been reported in the literature in individuals affected with FBXL4-related conditions. ClinVar contains an entry for this variant (Variation ID: 437578). Algorithms developed to predict the effect of missense changes on protein structure and function are either unavailable or do not agree on the potential impact of this missense change (SIFT: "Deleterious"; PolyPhen-2: "Possibly Damaging"; Align-GVGD: "Class C0"). This variant is present in population databases (rs748016378, gnomAD 0.01%). This sequence change replaces histidine, which is basic and polar, with arginine, which is basic and polar, at codon 147 of the FBXL4 protein (p.His147Arg).

Wong Mito Lab, Molecular and Human Genetics, Baylor College of Medicine
Classification: Uncertain significance for Mitochondrial DNA depletion syndrome 13. Last evaluated: 2017-08-10. Review status: criteria provided, single submitter. Criteria: ACMG Guidelines, 2015. Collection method: reference population. Allele origin: germline.
Comment: The NM_012160.4:c.440A>G (NP_036292.2:p.His147Arg) [GRCH38: NC_000006.12:g.98926549T>C] variant in FBXL4 gene is interpretated to be a Uncertain Significance - Insufficient Evidence based on ACMG guidelines (PMID: 25741868). This variant meets one or more of the following evidence codes reported in the ACMG-guideline. PM2:This variant is absent in key population databases. Based on this evidence code ClinGen Pathogenicity Calculator (PMID:28081714) suggested that the variant is Uncertain Significance - Insufficient Evidence.

NM_001278716.2(FBXL4):c.440A>G (p.His147Arg)

Gene: FBXL4 (F-box and leucine rich repeat protein 4; minus strand). Cytogenetic location: 6q16.2.
Variant type: single nucleotide variant.
Coding change: c.440A>G on transcript NM_001278716.2 (MANE Select); coding-DNA position 440, A replaced by G.
Protein change: p.His147Arg; replaces histidine 147 with arginine.
Molecular consequence: missense variant. On other transcripts: non-coding transcript variant (2).
Genome position (GRCh38, 1-based): chr6:98,926,549, T>C on the plus strand (A>G on the coding strand, the complement: FBXL4 is on the minus strand). VCF-style: chr6-98926549-T-C. GRCh37 (hg19) VCF-style: chr6-99374425-T-C.
Other names: c.440A>G, p.His147Arg (NM_012160.5); short protein forms H147R.
Identifiers: ClinVar variation 437578 (VCV000437578.5), dbSNP rs748016378, ClinGen allele CA3933687.
Genomic context (GRCh38, chr6:98,926,549, plus strand): 5'-GGTGGATTTGGGGAATAAGGATTTGCAGAACAAGCGAGAATTCTAATGACTGCTCCGGGA[T>C]GATAGGTTTCTAGAACATGTACAGCTGTAGGATACACCTGTTGTTCAAAAGTAAGTTCCA-3'
Protein context (NP_001265645.1, residues 137-157): PTAVHVLETY[His147Arg]PGAVIRILAC